The following is an entry in ClinVar:

ClinVar aggregate classification (germline): Uncertain significance. Review status: criteria provided, multiple submitters, no conflicts (2 of 4 stars). 2 submissions from 2 submitters: Uncertain significance (2). Last evaluated 2025-09-14.

Conditions:
BBS4-related disorder. Also called: BBS4-related condition.

Submissions (2):

Women's Health and Genetics/Laboratory Corporation of America, LabCorp
Classification: Uncertain significance. Last evaluated: 2025-09-14. Review status: criteria provided, single submitter. Criteria: LabCorp Variant Classification Summary - May 2015. Collection method: clinical testing. Allele origin: germline.

PreventionGenetics, part of Exact Sciences
Classification: Uncertain significance for BBS4-related condition. Last evaluated: 2025-05-15. Review status: criteria provided, single submitter. Criteria: ACMG Guidelines, 2015. Collection method: clinical testing. Allele origin: germline.
Comment: The BBS4 c.1A>G variant is predicted to disrupt the translation initiation site (Start loss). To our knowledge, this variant has not been reported in the literature. This variant is reported in 0.0018% of alleles in individuals of European (Non-Finnish) descent in gnomAD. Of note, this variant is also annotated as c.517A>G (p.Met173Val) when using the most clinically relevant transcript (NM_033028.4). At this time, the clinical significance of this variant is uncertain due to the absence of conclusive functional and genetic evidence.

NM_033028.5(BBS4):c.517A>G (p.Met173Val)

Gene: BBS4 (Bardet-Biedl syndrome 4; plus strand). Cytogenetic location: 15q24.1.
Variant type: single nucleotide variant.
Coding change: c.517A>G on transcript NM_033028.5 (MANE Select); coding-DNA position 517, A replaced by G.
Protein change: p.Met173Val; replaces methionine 173 with valine.
Molecular consequence: missense variant. On other transcripts: initiator codon variant (1), non-coding transcript variant (2).
Genome position (GRCh38, 1-based): chr15:72,724,585, A>G. VCF-style: chr15-72724585-A-G. GRCh37 (hg19) VCF-style: chr15-73016926-A-G.
Other names: c.1A>G, p.Met1Val (NM_001252678.2); c.517A>G, p.Met173Val (NM_001320665.2); c.1A>G (NM_001252678.1); short protein forms M173V, M1V.
Identifiers: ClinVar variation 4535546 (VCV004535546.2).
Genomic context (GRCh38, chr15:72,724,585, plus strand): 5'-CAGGCACAAGACCAGTTGCACAATGCCCTGAATCTTAATAGGCACGATCTGACTTATATA[A>G]TGCTGGGGAAGATCCACTTGCTGGAGGGAGACTTGGACAAGGCCATTGAAGTCTACAAGA-3'
Protein context (NP_149017.2, residues 163-183): NLNRHDLTYI[Met173Val]LGKIHLLEGD